The following is an entry in ClinVar:

ClinVar aggregate classification (germline): Benign. Review status: criteria provided, multiple submitters, no conflicts (2 of 4 stars). 6 submissions from 6 submitters: Benign (6). Last evaluated 2026-01-26.

Conditions:
Monogenic diabetes. Identifiers: Orphanet 183625, MedGen C3888631, MONDO:0015967.
Transitory neonatal diabetes mellitus. Also called: Transient neonatal diabetes mellitus. Identifiers: MedGen C0342273, MONDO:0020525, HP:0008255.
Neonatal diabetes mellitus with congenital hypothyroidism. Also called: NDH SYNDROME. Identifiers: Orphanet 79118, MedGen C1857775, MONDO:0012436, OMIM 610199.

Allele frequency attached by ClinVar (database versions not stated): gnomAD exomes 0.00154; ExAC 0.00296; ESP Exome Variant Server 0.00553; gnomAD 0.00760 and 0.00811; 1000 Genomes Project 30x 0.00765; 1000 Genomes Project 0.00779; TOPMed 0.00842.
gnomAD v4.1: 2,219 of 1,583,854 alleles (0.14%); highest among the groups gnomAD compares: African/African-American, 2.7%; 21 homozygotes.

Submissions (6):

Labcorp Genetics (formerly Invitae), Labcorp
Classification: Benign. Last evaluated: 2026-01-26. Review status: criteria provided, single submitter. Criteria: Invitae Variant Classification Sherloc (09022015). Collection method: clinical testing. Allele origin: germline.

CeGaT Center for Human Genetics Tuebingen
Classification: Benign. Last evaluated: 2025-10-01. Review status: criteria provided, single submitter. Criteria: CeGaT Center For Human Genetics Tuebingen Variant Classification Criteria Version 2. Collection method: clinical testing. Allele origin: germline. Affected: yes. Observed: 4 variant alleles.
Comment: GLIS3: BP4, BS1, BS2

Personalized Diabetes Medicine Program, University of Maryland School of Medicine
Classification: Benign for Monogenic diabetes. Last evaluated: 2019-02-15. Review status: criteria provided, single submitter. Criteria: ACMG Guidelines, 2015. Collection method: research. Allele origin: unknown. Observed: 10 variant alleles, 10 heterozygotes.
Comment: ACMG criteria: BS2 (Six homozygotes in gnomAD), BP4 (REVEL 0.023 + 10 predictors), BA1 (2.6% in gnomAD African population)=benign

Illumina Laboratory Services, Illumina
Classification: Benign for Neonatal diabetes mellitus with congenital hypothyroidism. Last evaluated: 2018-01-13. Review status: criteria provided, single submitter. Criteria: ICSL Variant Classification Criteria 13 December 2019. Collection method: clinical testing. Allele origin: germline.
Comment: This variant was observed in the ICSL laboratory as part of a predisposition screen in an ostensibly healthy population. It had not been previously curated by ICSL or reported in the Human Gene Mutation Database (HGMD: prior to June 1st, 2018), and was therefore a candidate for classification through an automated scoring system. Utilizing variant allele frequency, disease prevalence and penetrance estimates, and inheritance mode, an automated score was calculated to assess if this variant is too frequent to cause the disease. Based on the score and internal cut-off values, a variant classified as benign is not then subjected to further curation. The score for this variant resulted in a classification of benign for this disease.

Breakthrough Genomics
Classification: Benign. Review status: criteria provided, single submitter. Criteria: ACMG Guidelines, 2015. Collection method: not provided. Allele origin: germline. Inheritance: Autosomal recessive inheritance. Affected: yes.

Clinical Genomics, Uppaluri K&H Personalized Medicine Clinic
Classification: Benign for Transitory neonatal diabetes mellitus. Review status: criteria provided, single submitter. Criteria: K & H Uppaluri Personalized Medicine Clinic Variant Classification & Assertion Criteria_Updated V.1. Collection method: research. Allele origin: unknown.
Comment: Potent mutations in GLIS3 predisposes to neonatal diabetes mellitus with an extra pancreatic manifestation of hypothyroidism. It also predisposes to early onset diabetes in adults.However no sufficient evidence is found to ascertain the role of this particular variant rs76342955, yet.

Literature cited by the submitters: PubMed 32693112 (cited by Clinical Genomics, Uppaluri K&H Personalized Medicine Clinic); PubMed 27899417 (cited by Clinical Genomics, Uppaluri K&H Personalized Medicine Clinic); PubMed 29992946 (cited by Clinical Genomics, Uppaluri K&H Personalized Medicine Clinic); PubMed 35394098 (cited by Clinical Genomics, Uppaluri K&H Personalized Medicine Clinic); PubMed 29146476 (cited by Clinical Genomics, Uppaluri K&H Personalized Medicine Clinic).

NM_001042413.2(GLIS3):c.1126C>T (p.Pro376Ser)

Gene: GLIS3 (GLIS family zinc finger 3; minus strand). Cytogenetic location: 9p24.2.
Variant type: single nucleotide variant.
Coding change: c.1126C>T on transcript NM_001042413.2 (MANE Select); coding-DNA position 1126, C replaced by T.
Protein change: p.Pro376Ser; replaces proline 376 with serine.
Molecular consequence: missense variant.
Genome position (GRCh38, 1-based): chr9:4,118,352, G>A on the plus strand (C>T on the coding strand, the complement: GLIS3 is on the minus strand). VCF-style: chr9-4118352-G-A. GRCh37 (hg19) VCF-style: chr9-4118352-G-A.
Other names: c.661C>T, p.Pro221Ser (NM_152629.4); short protein forms P376S, P221S.
Identifiers: ClinVar variation 366984 (VCV000366984.42), dbSNP rs76342955, ClinGen allele CA4968295.
Genomic context (GRCh38, chr9:4,118,352, plus strand): 5'-GCATGCGCTCGTGCTCCAGGGCCCCGTCCTCGCCGTAGGCCGGCAGCGCCAGGCCTCCAG[G>A]GGCCACCAGCACGCCCTTCTGGCTGCCGGGCACCGGGCGCGGCTGGGGAATGCAGCTGCC-3'
Protein context (NP_001035878.1, residues 366-386): PGSQKGVLVA[Pro376Ser]GGLALPAYGE